The following is an entry in ClinVar:

NM_001009944.3(PKD1):c.7978G>A (p.Asp2660Asn)

Gene: PKD1 (polycystin 1, transient receptor potential channel interacting; minus strand). Cytogenetic location: 16p13.3.
Variant type: single nucleotide variant.
Coding change: c.7978G>A on transcript NM_001009944.3 (MANE Select); coding-DNA position 7978, G replaced by A.
Protein change: p.Asp2660Asn; replaces aspartic acid 2660 with asparagine.
Molecular consequence: missense variant.
Genome position (GRCh38, 1-based): chr16:2,105,360, C>T on the plus strand (G>A on the coding strand, the complement: PKD1 is on the minus strand). VCF-style: chr16-2105360-C-T. GRCh37 (hg19) VCF-style: chr16-2155361-C-T.
Other names: c.7978G>A, p.Asp2660Asn (NM_000296.4); short protein forms D2660N.
Identifiers: ClinVar variation 2430702 (VCV002430702.1), dbSNP rs2544769197, ClinGen allele CA394365929.

ClinVar aggregate classification (germline): Uncertain significance (1 of 4 stars; one submission).

Submission:

GeneDx
Classification: Uncertain significance. Last evaluated: 2022-08-15. Review status: criteria provided, single submitter. Criteria: GeneDx Variant Classification Process June 2021. Collection method: clinical testing. Allele origin: germline. Affected: yes.
Comment: Not observed at significant frequency in large population cohorts (gnomAD); In silico analysis supports that this missense variant has a deleterious effect on protein structure/function; This variant is associated with the following publications: (PMID: 27835667)